The following is an entry in ClinVar:

NM_005343.4(HRAS):c.450+171C>T

Genes: HRAS (HRas proto-oncogene, GTPase; minus strand), LRRC56 (leucine rich repeat containing 56; plus strand). Cytogenetic location: 11p15.5.
Variant type: single nucleotide variant.
Coding change: c.450+171C>T on transcript NM_005343.4 (MANE Select); 171 bases into the intron after coding-DNA position 450, C replaced by T.
Molecular consequence: intron variant. On other transcripts: missense variant (1), 3 prime UTR variant (1).
Genome position (GRCh38, 1-based): chr11:533,282, G>A on the plus strand (C>T on the coding strand, the complement: HRAS is on the minus strand). VCF-style: chr11-533282-G-A. GRCh37 (hg19) VCF-style: chr11-533282-G-A.
Other names: c.208C>T, p.Arg70Cys (NM_001318054.2); c.*14C>T (NM_176795.5); c.450+171C>T (NM_001130442.3); short protein forms R70C.
Identifiers: ClinVar variation 179859 (VCV000179859.5), dbSNP rs376091236, ClinGen allele CA185289.

ClinVar aggregate classification (germline): Likely benign. Review status: criteria provided, single submitter (1 of 4 stars). 2 submissions from 2 submitters: Likely benign (1). 1 of the submissions does not count toward it. Last evaluated 2022-01-18.

Allele frequency attached by ClinVar (database versions not stated): gnomAD 0.00017 and 0.00019; TOPMed 0.00019; ESP Exome Variant Server 0.00031; gnomAD exomes 0.00004; ExAC 0.00006.
gnomAD v4.1: 40 of 1,591,560 alleles (0.0025%); highest among the groups gnomAD compares: African/African-American, 0.047%; no homozygotes.

Submissions (2):

Blueprint Genetics
Classification: Likely benign. Last evaluated: 2022-01-18. Review status: criteria provided, single submitter. Criteria: ACMG Guidelines, 2015. Collection method: clinical testing. Allele origin: germline.

Laboratory for Molecular Medicine, Mass General Brigham Personalized Medicine
No classification provided. Last evaluated: 2014-07-01. Review status: no classification provided. Collection method: clinical testing. Allele origin: germline. Observed: 1 variant allele. Not counted in ClinVar's aggregate classification.
Comment: *14C>T in exon 5A of HRAS: This variant is not expected to have clinical significance because it is not located within the splice consensus sequence. It has been identified in 4/4316 of African American chromosomes by the NHLBI Exome Sequencing Project (dbSNP rs376091236).